The following is an entry in ClinVar:

ClinVar aggregate classification (germline): Uncertain significance (1 of 4 stars; one submission).

Allele frequency attached by ClinVar (database versions not stated): gnomAD 0.00002 and 0.00005; gnomAD exomes 0.00010; 1000 Genomes Project 30x 0.00016; ExAC 0.00016; 1000 Genomes Project 0.00020.

Submission:

Labcorp Genetics (formerly Invitae), Labcorp
Classification: Uncertain significance. Last evaluated: 2024-02-23. Review status: criteria provided, single submitter. Criteria: Invitae Variant Classification Sherloc (09022015). Collection method: clinical testing. Allele origin: germline.
Comment: This sequence change replaces serine, which is neutral and polar, with leucine, which is neutral and non-polar, at codon 281 of the SHPK protein (p.Ser281Leu). This variant is present in population databases (rs201168679, gnomAD 0.09%), and has an allele count higher than expected for a pathogenic variant. This variant has not been reported in the literature in individuals affected with SHPK-related conditions. ClinVar contains an entry for this variant (Variation ID: 1444243). An algorithm developed to predict the effect of missense changes on protein structure and function (PolyPhen-2) suggests that this variant is likely to be disruptive. In summary, the available evidence is currently insufficient to determine the role of this variant in disease. Therefore, it has been classified as a Variant of Uncertain Significance.

NM_013276.4(SHPK):c.842C>T (p.Ser281Leu)

Gene: SHPK (sedoheptulokinase; minus strand). Cytogenetic location: 17p13.2.
Variant type: single nucleotide variant.
Coding change: c.842C>T on transcript NM_013276.4 (MANE Select); coding-DNA position 842, C replaced by T.
Protein change: p.Ser281Leu; replaces serine 281 with leucine.
Molecular consequence: missense variant.
Genome position (GRCh38, 1-based): chr17:3,615,519, G>A on the plus strand (C>T on the coding strand, the complement: SHPK is on the minus strand). VCF-style: chr17-3615519-G-A. GRCh37 (hg19) VCF-style: chr17-3518813-G-A.
Other names: short protein forms S281L.
Identifiers: ClinVar variation 1444243 (VCV001444243.6), dbSNP rs201168679, ClinGen allele CA8291189.